The following is an entry in ClinVar:

NM_000059.4(BRCA2):c.7481G>T (p.Arg2494Leu)

Gene: BRCA2 (BRCA2 DNA repair associated; plus strand). Cytogenetic location: 13q13.1.
Variant type: single nucleotide variant.
Coding change: c.7481G>T on transcript NM_000059.4 (MANE Select); coding-DNA position 7481, G replaced by T.
Protein change: p.Arg2494Leu; replaces arginine 2494 with leucine.
Molecular consequence: missense variant. On other transcripts: non-coding transcript variant (1).
Genome position (GRCh38, 1-based): chr13:32,356,473, G>T. VCF-style: chr13-32356473-G-T. GRCh37 (hg19) VCF-style: chr13-32930610-G-T.
Other names: c.7385G>T, p.Arg2462Leu (NM_001406719.1); c.7481G>T, p.Arg2494Leu (NM_001406720.1, NM_001432077.1); c.2549G>T, p.Arg850Leu (NM_001406721.1); c.1064G>T, p.Arg355Leu (NM_001406722.1); short protein forms R850L, R2494L, R2462L, R355L.
Identifiers: ClinVar variation 3636523 (VCV003636523.3).

ClinVar aggregate classification (germline): Uncertain significance. Review status: criteria provided, multiple submitters, no conflicts (2 of 4 stars). 2 submissions from 2 submitters: Uncertain significance (2). Last evaluated 2025-04-01.

Conditions:
Hereditary breast ovarian cancer syndrome. Also called: Hereditary breast and ovarian cancer syndrome; Hereditary breast and ovarian cancer syndrome (HBOC); BRCA1- and BRCA2-Associated Hereditary Breast and Ovarian Cancer; Hereditary breast and ovarian cancer; Breast and ovarian cancer; Hereditary breast and/or ovarian cancer syndrome. Identifiers: Orphanet 145, MedGen C0677776, MeSH D061325, MONDO:0003582. Disease mechanism: loss of function.
Hereditary cancer-predisposing syndrome. Also called: Neoplastic Syndromes, Hereditary; Tumor predisposition; Hereditary Cancer Syndrome; Hereditary neoplastic syndrome. Identifiers: Orphanet 140162, MedGen C0027672, MeSH D009386, MONDO:0015356.

Submissions (2):

Ambry Genetics
Classification: Uncertain significance for Hereditary cancer-predisposing syndrome. Last evaluated: 2025-04-01. Review status: criteria provided, single submitter. Criteria: Ambry Variant Classification Scheme 2023. Collection method: clinical testing. Allele origin: germline.
Comment: The p.R2494L variant (also known as c.7481G>T), located in coding exon 14 of the BRCA2 gene, results from a G to T substitution at nucleotide position 7481. The arginine at codon 2494 is replaced by leucine, an amino acid with dissimilar properties. The results from two saturation genome editing-based studies, including a haploid cell-survival assay and a humanized mouse embryonic stem cell line assay of drug response and survival, are discordant for this nucleotide substitution (Huang H et al. Nature. 2025 Feb;638(8050):528-537; Sahu S et al. Nature. 2025 Feb;638(8050):538-545). This amino acid position is highly conserved in available vertebrate species. In addition, this alteration is predicted to be deleterious by in silico analysis. Based on the available evidence, the clinical significance of this variant remains unclear.

Labcorp Genetics (formerly Invitae), Labcorp
Classification: Uncertain significance for Hereditary breast ovarian cancer syndrome. Last evaluated: 2024-12-24. Review status: criteria provided, single submitter. Criteria: Invitae Variant Classification Sherloc (09022015). Collection method: clinical testing. Allele origin: germline.
Comment: This sequence change replaces arginine, which is basic and polar, with leucine, which is neutral and non-polar, at codon 2494 of the BRCA2 protein (p.Arg2494Leu). This variant is not present in population databases (gnomAD no frequency). This variant has not been reported in the literature in individuals affected with BRCA2-related conditions. Invitae Evidence Modeling of protein sequence and biophysical properties (such as structural, functional, and spatial information, amino acid conservation, physicochemical variation, residue mobility, and thermodynamic stability) has been performed for this missense variant. However, the output from this modeling did not meet the statistical confidence thresholds required to predict the impact of this variant on BRCA2 protein function. In summary, the available evidence is currently insufficient to determine the role of this variant in disease. Therefore, it has been classified as a Variant of Uncertain Significance.